The following is an entry in ClinVar:

ClinVar aggregate classification (germline): Conflicting classifications of pathogenicity. Review status: criteria provided, conflicting classifications (1 of 4 stars). 7 submissions from 7 submitters: Likely pathogenic (1); Uncertain significance (4). 2 of the submissions do not count toward it. Last evaluated 2025-05-27.

Conditions:
Infantile liver failure syndrome 3. Identifiers: MedGen C5231437, MONDO:0032844, OMIM 618641.
Fulminant hepatic failure. Identifiers: MedGen C5779644, HP:0004448.
Familial ovarian cancer. Identifiers: MedGen C5679802, MONDO:0016248.

Allele frequency attached by ClinVar (database versions not stated): TOPMed 0.00002; gnomAD exomes 0.00005; ExAC 0.00008; ESP Exome Variant Server 0.00008.
gnomAD v4.1: 91 of 1,606,532 alleles (0.0057%); highest among the groups gnomAD compares: Non-Finnish European, 0.0076%; no homozygotes.

Submissions (7):

Labcorp Genetics (formerly Invitae), Labcorp
Classification: Likely pathogenic. Last evaluated: 2025-05-27. Review status: criteria provided, single submitter. Criteria: Invitae Variant Classification Sherloc (09022015). Collection method: clinical testing. Allele origin: germline.
Comment: This sequence change affects a donor splice site in intron 9 of the RINT1 gene. RNA analysis indicates that disruption of this splice site induces altered splicing and may result in an absent or altered protein product. This variant is present in population databases (rs375350359, gnomAD 0.01%). Disruption of this splice site has been observed in individual(s) with breast cancer, colorectal cancer, and/or recurrent acute liver failure (PMID: 25050558, 31204009, 32283892, 33099839). ClinVar contains an entry for this variant (Variation ID: 547947). Studies have shown that disruption of this splice site results in skipping of exon 9 and introduces a premature termination codon, and produces a non-functional protein and/or introduces a premature termination codon (PMID: 25050558, 31204009). In summary, the currently available evidence indicates that the variant is pathogenic, but additional data are needed to prove that conclusively. Therefore, this variant has been classified as Likely Pathogenic.

CeGaT Center for Human Genetics Tuebingen
Classification: Uncertain significance. Last evaluated: 2024-02-01. Review status: criteria provided, single submitter. Criteria: CeGaT Center For Human Genetics Tuebingen Variant Classification Criteria Version 2. Collection method: clinical testing. Allele origin: germline. Affected: yes. Observed: 3 variant alleles.
Comment: RINT1: PVS1, BS1

Ambry Genetics
Classification: Uncertain significance. Last evaluated: 2023-01-10. Review status: criteria provided, single submitter. Criteria: Ambry Variant Classification Scheme 2023. Collection method: clinical testing. Allele origin: germline.
Comment: The c.1333+1G>A intronic variant results from a G to A substitution one nucleotide after coding exon 9 of the RINT1 gene. This nucleotide position is highly conserved in available vertebrate species. This alteration has been reported in a cohort of 798 multiple-case breast cancer families, and was show to result in a frameshift and subsequent skipping of exon 9 via a RT-PCR assay performed on cDNA derived from a carrier of 1333+1G>A (Park DJ et al. Cancer Discov, 2014 Jul;4:804-15). This alteration has also been reported in a compound heterozygous state in two individuals with personal history of a multisystem disorder including pediatric acute liver failure and skeletal abnormalities (Cousin MA et al. Am. J. Hum. Genet., 2019 07;105:108-121). In silico splice site analysis predicts that this alteration will weaken the native splice donor site and will result in the creation or strengthening of a novel splice donor site. Alterations that disrupt the canonical splice site are expected to cause aberrant splicing, resulting in an abnormal protein or a transcript that is subject to nonsense-mediated mRNA decay. However, the gene-disease association for RINT1 is limited. Since supporting evidence is limited at this time, the clinical significance of this alteration remains unclear.

Department of Pathology and Laboratory Medicine, Sinai Health System
Classification: Uncertain significance for familial ovarian cancer. Last evaluated: 2020-08-06. Review status: criteria provided, single submitter. Criteria: ACMG Guidelines, 2015. Collection method: research. Allele origin: germline.

Mayo Clinic Laboratories, Mayo Clinic
Classification: Uncertain significance. Last evaluated: 2017-02-09. Review status: criteria provided, single submitter. Criteria: ACMG Guidelines, 2015. Collection method: clinical testing. Allele origin: paternal.

OMIM
Classification: Pathogenic for INFANTILE LIVER FAILURE SYNDROME 3. Last evaluated: 2019-10-24. Review status: no assertion criteria provided. Collection method: literature only. Allele origin: germline. Not counted in ClinVar's aggregate classification.

Working Group: Pediatric metabolic liver diseases, University Hospital Heidelberg
Classification: Pathogenic for Fulminant hepatic failure. Last evaluated: 2019-01-14. Review status: no assertion criteria provided. Collection method: research. Allele origin: paternal. Inheritance: Autosomal recessive inheritance. Affected: yes. Observed: 1 compound heterozygote. Not counted in ClinVar's aggregate classification.

Literature cited by the submitters: PubMed 25050558 (cited by Labcorp Genetics (formerly Invitae), Labcorp and Ambry Genetics); PubMed 31204009 (cited by 3 submitters); PubMed 32283892 (cited by Labcorp Genetics (formerly Invitae), Labcorp); PubMed 33099839 (cited by Labcorp Genetics (formerly Invitae), Labcorp).

NM_021930.6(RINT1):c.1333+1G>A

Gene: RINT1 (RAD50 interactor 1; plus strand). Cytogenetic location: 7q22.3.
Variant type: single nucleotide variant.
Coding change: c.1333+1G>A on transcript NM_021930.6 (MANE Select); the canonical splice donor site of the intron after coding-DNA position 1333, G replaced by A.
Molecular consequence: splice donor variant.
Genome position (GRCh38, 1-based): chr7:105,550,487, G>A. VCF-style: chr7-105550487-G-A. GRCh37 (hg19) VCF-style: chr7-105190934-G-A.
Other names: IVS9DS, G-A, +1; c.310+1G>A (NM_001346600.2, NM_001346603.2); c.409+1G>A (NM_001346601.2); c.1099+1G>A (NM_001346599.2).
Identifiers: ClinVar variation 547947 (VCV000547947.44), dbSNP rs375350359, ClinGen allele CA501178.